The following is an entry in ClinVar:

NM_001002295.2(GATA3):c.497C>A (p.Ser166Ter)

Gene: GATA3 (GATA binding protein 3; plus strand). Cytogenetic location: 10p14.
Variant type: single nucleotide variant.
Coding change: c.497C>A on transcript NM_001002295.2 (MANE Select); coding-DNA position 497, C replaced by A.
Protein change: p.Ser166Ter; replaces serine 166 with a stop codon.
Molecular consequence: nonsense.
Genome position (GRCh38, 1-based): chr10:8,058,560, C>A. VCF-style: chr10-8058560-C-A. GRCh37 (hg19) VCF-style: chr10-8100523-C-A.
Other names: c.497C>A, p.Ser166Ter (NM_002051.3); short protein forms S166*.
Identifiers: ClinVar variation 4056488 (VCV004056488.2).

ClinVar aggregate classification (germline): Likely pathogenic. Review status: criteria provided, multiple submitters, no conflicts (2 of 4 stars). 2 submissions from 2 submitters: Likely pathogenic (2). Last evaluated 2018-01-11.

Conditions:
GATA3-related disorder. Also called: GATA3-related condition.
Hypoparathyroidism, deafness, renal disease syndrome (HDRS). Also called: HYPOPARATHYROIDISM, SENSORINEURAL DEAFNESS, AND RENAL DYSPLASIA SYNDROME. Identifiers: Orphanet 2237, MedGen C1840333, MONDO:0007797, OMIM 146255.

Submissions (2):

Blueprint Genetics
Classification: Likely pathogenic for GATA3-related disorders. Last evaluated: 2018-01-11. Review status: criteria provided, single submitter. Criteria: ACMG Guidelines, 2015. Collection method: clinical testing. Allele origin: germline. Affected: yes. Observed: 1 variant allele.

Kasturba Medical College, Manipal, Kasturba Medical College, Manipal, Manipal Academy of Higher Education, Manipal, India
Classification: Likely pathogenic for Hypoparathyroidism, deafness, renal disease syndrome. Review status: criteria provided, single submitter. Criteria: ACMG Guidelines, 2015. Collection method: research. Allele origin: paternal. Inheritance: Autosomal dominant inheritance. Affected: yes. Observed: 1 heterozygote.
Comment: This variant is absent in the gnomAD (v4.1.0) population database and our in-house database of 3585 exomes. This variant is predicted to cause the introduction of a premature termination codon, which may either trigger nonsense-mediated mRNA decay (NMD) or result in a truncated protein product. Reduced penetrance has been reported with this condition (Barakat et al., 2018).

Literature cited by the submitters: PubMed 29663634 (cited by Kasturba Medical College, Manipal, Kasturba Medical College, Manipal, Manipal Academy of Higher Education, Manipal, India).